The following is an entry in ClinVar:

ClinVar aggregate classification (germline): Pathogenic (1 of 4 stars; one submission).

Conditions:
Mucolipidosis type IV (ML4). Also called: ML IV. Identifiers: Orphanet 578, MedGen C0238286, MONDO:0009653, OMIM 252650.

Submission:

Labcorp Genetics (formerly Invitae), Labcorp
Classification: Pathogenic for Mucolipidosis type IV. Last evaluated: 2023-02-08. Review status: criteria provided, single submitter. Criteria: Invitae Variant Classification Sherloc (09022015). Collection method: clinical testing. Allele origin: unknown.
Comment: This variant is a gross deletion of the genomic region encompassing exon(s) 13-14 of the MCOLN1 gene, which includes the termination codon. This deletion extends beyond the assayed region for this gene and therefore may encompass additional genes. While this deletion is not anticipated to lead to nonsense mediated decay, it is expected to alter mRNA translation or result in a truncated protein product. This variant has not been reported in the literature in individuals affected with MCOLN1-related conditions. This variant disrupts a region of the MCOLN1 protein in which other variant(s) (p.Ala539Profs*41) have been determined to be pathogenic (PMID: 18326692). This suggests that this is a clinically significant region of the protein, and that variants that disrupt it are likely to be disease-causing. For these reasons, this variant has been classified as Pathogenic.

Literature cited by the submitters: PubMed 18326692.

NC_000019.9:g.(?_7598389)_(7598681_?)del

Gene: MCOLN1 (mucolipin TRP cation channel 1; plus strand). Cytogenetic location: 19p13.2.
Variant type: Deletion.
Identifiers: ClinVar variation 3248424 (VCV003248424.1).